The following is an entry in ClinVar:

ClinVar aggregate classification (germline): Uncertain significance (1 of 4 stars; one submission).

gnomAD v4.1: 5 of 1,614,148 alleles (0.00031%); highest among the groups gnomAD compares: Non-Finnish European, 0.00034%; no homozygotes.

Submission:

GeneDx
Classification: Uncertain significance. Last evaluated: 2026-08-10. Review status: criteria provided, single submitter. Criteria: GeneDx Variant Classification Process June 2021. Collection method: clinical testing. Allele origin: germline.
Comment: Not observed at significant frequency in large population cohorts (gnomAD); In silico analysis suggests that this missense variant does not alter protein structure/function; Has not been previously published as pathogenic or benign to our knowledge

NM_025137.4(SPG11):c.5203C>T (p.His1735Tyr)

Gene: SPG11 (SPG11 vesicle trafficking associated, spatacsin; minus strand). Cytogenetic location: 15q21.1.
Variant type: single nucleotide variant.
Coding change: c.5203C>T on transcript NM_025137.4 (MANE Select); coding-DNA position 5203, C replaced by T.
Protein change: p.His1735Tyr; replaces histidine 1735 with tyrosine.
Molecular consequence: missense variant. On other transcripts: intron variant (1).
Genome position (GRCh38, 1-based): chr15:44,584,477, G>A on the plus strand (C>T on the coding strand, the complement: SPG11 is on the minus strand). VCF-style: chr15-44584477-G-A. GRCh37 (hg19) VCF-style: chr15-44876675-G-A.
Other names: c.5203C>T, p.His1735Tyr (NM_001160227.2); c.5122-63C>T (NM_001411132.1); short protein forms H1735Y.
Identifiers: ClinVar variation 3393781 (VCV003393781.2).